The following is an entry in ClinVar:

ClinVar aggregate classification (germline): Pathogenic (1 of 4 stars; one submission).

Conditions:
Phenylketonuria (PKU). Also called: OLIGOPHRENIA PHENYLPYRUVICA; Phenylketonurias; Phenylketonuria (PKU); FOLLING DISEASE. Identifiers: Orphanet 716, MedGen C0031485, MONDO:0009861, OMIM 261600. Disease mechanism: loss of function.

Submission:

Labcorp Genetics (formerly Invitae), Labcorp
Classification: Pathogenic for Phenylketonuria. Last evaluated: 2021-06-05. Review status: criteria provided, single submitter. Criteria: Invitae Variant Classification Sherloc (09022015). Collection method: clinical testing. Allele origin: germline.
Comment: Algorithms developed to predict the effect of sequence changes on RNA splicing suggest that this variant may disrupt the consensus splice site, but this prediction has not been confirmed by published transcriptional studies. For these reasons, this variant has been classified as Pathogenic. Disruption of this splice site has been observed in individual(s) with phenylketonuria (PMID: 8807331). This variant is not present in population databases (ExAC no frequency). This sequence change affects a donor splice site in intron 2 of the PAH gene. It is expected to disrupt RNA splicing. Variants that disrupt the donor or acceptor splice site typically lead to a loss of protein function (PMID: 16199547), and loss-of-function variants in PAH are known to be pathogenic (PMID: 1301187, 9634518).

Literature cited by the submitters: PubMed 8807331; PubMed 16199547; PubMed 1301187; PubMed 9634518.

NM_000277.3(PAH):c.168+2T>A

Gene: PAH (phenylalanine hydroxylase; minus strand). Cytogenetic location: 12q23.2.
Variant type: single nucleotide variant.
Coding change: c.168+2T>A on transcript NM_000277.3 (MANE Select); the canonical splice donor site of the intron after coding-DNA position 168, T replaced by A.
Molecular consequence: splice donor variant.
Genome position (GRCh38, 1-based): chr12:102,912,789, A>T on the plus strand (T>A on the coding strand, the complement: PAH is on the minus strand). VCF-style: chr12-102912789-A-T. GRCh37 (hg19) VCF-style: chr12-103306567-A-T.
Other names: c.168+2T>A (NM_001354304.2).
Identifiers: ClinVar variation 1455173 (VCV001455173.8), dbSNP rs1025860114, ClinGen allele CA386302275.